The following is an entry in ClinVar:

NM_001009944.3(PKD1):c.951T>C (p.Ala317=)

Gene: PKD1 (polycystin 1, transient receptor potential channel interacting; minus strand). Cytogenetic location: 16p13.3.
Variant type: single nucleotide variant.
Coding change: c.951T>C on transcript NM_001009944.3 (MANE Select); coding-DNA position 951, T replaced by C.
Protein change: p.Ala317=; no amino-acid change (alanine 317 retained).
Molecular consequence: synonymous variant.
Genome position (GRCh38, 1-based): chr16:2,118,041, A>G on the plus strand (T>C on the coding strand, the complement: PKD1 is on the minus strand). VCF-style: chr16-2118041-A-G. GRCh37 (hg19) VCF-style: chr16-2168042-A-G.
Other names: c.951T>C (NM_001009944.2); c.951T>C, p.Ala317= (NM_000296.4).
Identifiers: ClinVar variation 997377 (VCV000997377.6), dbSNP rs540366995, ClinGen allele CA7833623.
Genomic context (GRCh38, chr16:2,118,041, plus strand): 5'-CAGCACGGCCGTCACGTGATAGCGCCCAGGCAGCACATAGCGATGCGAGGCAGCCGGCCC[A>G]GCGGCATCCACCTCGGCGGAGCCGTCTCCGAAGTCCCAGCGTGTGGCAGTGACAGGGAGC-3'
Protein context (NP_001009944.3, residues 307-327): FGDGSAEVDA[Ala317=]GPAASHRYVL

ClinVar aggregate classification (germline): Benign/Likely benign. Review status: criteria provided, multiple submitters, no conflicts (2 of 4 stars). 5 submissions from 5 submitters: Benign (1); Likely benign (3). 1 of the submissions does not count toward it. Last evaluated 2026-04-14.

Conditions:
Polycystic kidney disease. Also called: Kidney, Polycystic; Polycystic kidney dysplasia. Identifiers: MedGen C0022680, MeSH D007690, MONDO:0020642, HP:0000113.
Polycystic kidney disease, adult type (PKD1). Also called: Polycystic Kidney, Autosomal Dominant; Polycystic Kidney Disease 1, Autosomal Dominant; Polycystic kidney disease 1; Polycystic kidney disease 1, severe; POLYCYSTIC KIDNEY DISEASE 1 WITH OR WITHOUT POLYCYSTIC LIVER DISEASE; POLYCYSTIC KIDNEY DISEASE, ADULT, TYPE I. Identifiers: MedGen C3149841, MONDO:0008263, OMIM 173900.
PKD1-related disorder. Also called: PKD1-related condition.

Allele frequency attached by ClinVar (database versions not stated): gnomAD exomes 0.00003 and 0.00009; ExAC 0.00017; gnomAD 0.00030 and 0.00032; TOPMed 0.00031; 1000 Genomes Project 0.00080; 1000 Genomes Project 30x 0.00094.
gnomAD v4.1: 84 of 1,602,714 alleles (0.0052%); highest among the groups gnomAD compares: African/African-American, 0.092%; no homozygotes.

Submissions (5):

PreventionGenetics, part of Exact Sciences
Classification: Likely benign for PKD1-related condition. Last evaluated: 2026-04-14. Review status: criteria provided, single submitter. Criteria: ACMG Guidelines, 2015. Collection method: clinical testing. Allele origin: germline.
Comment: This variant is classified as likely benign based on ACMG/AMP sequence variant interpretation guidelines (Richards et al. 2015 PMID: 25741868, with internal and published modifications).

Women's Health and Genetics/Laboratory Corporation of America, LabCorp
Classification: Likely benign. Last evaluated: 2025-04-25. Review status: criteria provided, single submitter. Criteria: LabCorp Variant Classification Summary - May 2015. Collection method: clinical testing. Allele origin: germline.

Fulgent Genetics
Classification: Likely benign for Polycystic kidney disease, adult type. Last evaluated: 2022-04-26. Review status: criteria provided, single submitter. Criteria: ACMG Guidelines, 2015. Collection method: clinical testing. Allele origin: unknown.

Athena Diagnostics
Classification: Benign. Last evaluated: 2020-11-06. Review status: criteria provided, single submitter. Criteria: Athena Diagnostics criteria. Collection method: clinical testing. Allele origin: unknown.

Department of Pathology and Laboratory Medicine, Sinai Health System
Classification: Likely benign for Polycystic Kidney disease. Review status: no assertion criteria provided. Collection method: clinical testing. Allele origin: unknown. Affected: yes. Study: The Canadian Open Genetics Repository (COGR). Not counted in ClinVar's aggregate classification.
Comment: The PKD1 p.Ala317Ala variant was not identified in the literature nor was it identified in the ClinVar, Genesight-COGR, LOVD 3.0, ADPKD Mutation Database, PKD1-LOVD, databases. The variant was identified in dbSNP (ID: rs540366995) as â€šÃ„ÃºNAâ€šÃ„Ã¹, and in control databases in 33 of 238850 chromosomes at a frequency of 0.0001 increasing the likelihood that this may be a low frequency benign variant in certain populations of origin (Genome Aggregation Consortium Feb 27, 2017); however, we cannot be certain that data from control databases is specific to PKD1 and not from one of the six PKD1 pseudogenes. The p.Ala317Ala variant is not expected to have clinical significance because it does not result in a change of amino acid and is not located in a known consensus splice site. In addition, in silico or computational prediction software programs (SpliceSiteFinder, MaxEntScan, NNSPLICE, GeneSplicer, HumanSpliceFinder) do not predict a difference in splicing. In summary, based on the above information the clinical significance of this variant cannot be determined with certainty at this time although we would lean towards a more benign role for this variant. This variant is classified as likely benign. It should be noted that ADPKD is inherited as an autosomal dominant trait with age dependent penetrance and variable expressivity. The clinical significance of the variants identified in this individual could not be determined. However, we cannot rule out the possibility that these variants may influence disease progression. It is possible that none of these variants cause disease, or that any number of these variants increases disease risk. Alternatively, the presence of multiple variants may modify the expression of the phenotype resulting in an earlier age of onset and increased severity of disease. Based on our current knowledge, we cannot make a prediction.